The following is an entry in ClinVar:

NM_000059.4(BRCA2):c.5400C>T (p.Tyr1800=)

Gene: BRCA2 (BRCA2 DNA repair associated; plus strand). Cytogenetic location: 13q13.1.
Variant type: single nucleotide variant.
Coding change: c.5400C>T on transcript NM_000059.4 (MANE Select); coding-DNA position 5400, C replaced by T.
Protein change: p.Tyr1800=; no amino-acid change (tyrosine 1800 retained).
Molecular consequence: synonymous variant.
Genome position (GRCh38, 1-based): chr13:32,339,755, C>T. VCF-style: chr13-32339755-C-T. GRCh37 (hg19) VCF-style: chr13-32913892-C-T.
Identifiers: ClinVar variation 427451 (VCV000427451.19), dbSNP rs780919805, ClinGen allele CA6940868.

ClinVar aggregate classification (germline): Likely benign. Review status: reviewed by expert panel (3 of 4 stars). 5 submissions from 5 submitters: Likely benign (1). 4 of the submissions do not count toward it. Last evaluated 2017-06-29.

Conditions:
Hereditary cancer-predisposing syndrome. Also called: Hereditary neoplastic syndrome; Hereditary Cancer Syndrome; Neoplastic Syndromes, Hereditary; Tumor predisposition. Identifiers: Orphanet 140162, MedGen C0027672, MeSH D009386, MONDO:0015356.
Breast-ovarian cancer, familial, susceptibility to, 2 (BROVCA2). Also called: BRCA2 Hereditary Breast and Ovarian Cancer. Identifiers: Orphanet 145, MedGen C2675520, MONDO:0012933, OMIM 612555. Disease mechanism: loss of function.
Hereditary breast ovarian cancer syndrome. Also called: Hereditary breast and ovarian cancer syndrome; BRCA1- and BRCA2-Associated Hereditary Breast and Ovarian Cancer; Hereditary breast and/or ovarian cancer syndrome; Hereditary breast and ovarian cancer; Breast and ovarian cancer; Hereditary breast and ovarian cancer syndrome (HBOC). Identifiers: Orphanet 145, MedGen C0677776, MeSH D061325, MONDO:0003582. Disease mechanism: loss of function.

Allele frequency attached by ClinVar (database versions not stated): gnomAD exomes below 0.00001; ExAC 0.00001.
gnomAD v4.1: 1 of 1,613,838 alleles (0.000062%); highest among the groups gnomAD compares: East Asian, 0.0022%; no homozygotes.

Submissions (5):

Evidence-based Network for the Interpretation of Germline Mutant Alleles (ENIGMA)
Classification: Likely benign for Breast-ovarian cancer, familial, susceptibility to, 2. Last evaluated: 2017-06-29. Review status: reviewed by expert panel. Criteria: ENIGMA BRCA1/2 Classification Criteria (2017-06-29). Collection method: curation. Allele origin: germline.
Comment: Synonymous substitution variant, with low bioinformatic likelihood to result in a splicing aberration (Splicing prior probability 0.02).

All of Us Research Program, National Institutes of Health
Classification: Likely benign for Breast-ovarian cancer, familial, susceptibility to, 2. Last evaluated: 2023-08-15. Review status: criteria provided, single submitter. Criteria: ACMG Guidelines, 2015. Collection method: clinical testing. Allele origin: germline. Inheritance: Autosomal dominant inheritance. Observed: 1 variant allele, 1 heterozygote. Not counted in ClinVar's aggregate classification.
Comment: This study involves interpretation of variants in research participants for the purpose of population health screening. Participant phenotype was not available at the time of variant classification. Additional details can be found in publication PMID: 35346344, PMCID: PMC8962531

Ambry Genetics
Classification: Likely benign for Hereditary cancer-predisposing syndrome. Last evaluated: 2023-03-20. Review status: criteria provided, single submitter. Criteria: Ambry Variant Classification Scheme 2023. Collection method: clinical testing. Allele origin: germline. Not counted in ClinVar's aggregate classification.

Labcorp Genetics (formerly Invitae), Labcorp
Classification: Likely benign for Hereditary breast ovarian cancer syndrome. Last evaluated: 2021-03-29. Review status: criteria provided, single submitter. Criteria: Invitae Variant Classification Sherloc (09022015). Collection method: clinical testing. Allele origin: germline. Not counted in ClinVar's aggregate classification.

Color Diagnostics, LLC DBA Color Health
Classification: Likely benign for Hereditary cancer-predisposing syndrome. Last evaluated: 2019-12-04. Review status: criteria provided, single submitter. Criteria: ACMG Guidelines, 2015. Collection method: clinical testing. Allele origin: germline. Not counted in ClinVar's aggregate classification.